The following is an entry in ClinVar:

NM_001958.5(EEF1A2):c.289G>A (p.Asp97Asn)

Gene: EEF1A2 (eukaryotic translation elongation factor 1 alpha 2; minus strand). Cytogenetic location: 20q13.33.
Variant type: single nucleotide variant.
Coding change: c.289G>A on transcript NM_001958.5 (MANE Select); coding-DNA position 289, G replaced by A.
Protein change: p.Asp97Asn; replaces aspartic acid 97 with asparagine.
Molecular consequence: missense variant.
Genome position (GRCh38, 1-based): chr20:63,495,891, C>T on the plus strand (G>A on the coding strand, the complement: EEF1A2 is on the minus strand). VCF-style: chr20-63495891-C-T. GRCh37 (hg19) VCF-style: chr20-62127244-C-T.
Other names: c.289G>A (NM_001958.3, NM_001958.2); short protein forms D97N.
Identifiers: ClinVar variation 1470873 (VCV001470873.12), dbSNP rs2145945425, ClinGen allele CA409651324.

ClinVar aggregate classification (germline): Pathogenic/Likely pathogenic. Review status: criteria provided, multiple submitters, no conflicts (2 of 4 stars). 6 submissions from 6 submitters: Pathogenic (2); Likely pathogenic (2). 2 of the submissions do not count toward it. Last evaluated 2026-06-03.

Conditions:
EEF1A2-related disorder. Also called: EEF1A2-related condition; EEF1A2-related disorders.
Inborn genetic diseases. Identifiers: MedGen C0950123, MeSH D030342.
Developmental and epileptic encephalopathy, 33 (DEE33). Also called: Epileptic encephalopathy, early infantile, 33. Identifiers: Orphanet 442835, MedGen C4225337, MONDO:0014625, OMIM 616409.

Submissions (6):

Greenwood Genetic Center Diagnostic Laboratories, Greenwood Genetic Center
Classification: Pathogenic for EEF1A2-related disorder. Last evaluated: 2026-06-03. Review status: criteria provided, single submitter. Criteria: ACMG Guidelines, 2015. Collection method: clinical testing. Allele origin: germline. Affected: yes.
Comment: PS2_Very Strong, PS4_Moderate, PM1, PM2, PM5, PP2

Dasa
Classification: Likely pathogenic. Last evaluated: 2025-07-07. Review status: criteria provided, single submitter. Criteria: DASA Assertion Criteria. Collection method: clinical testing. Allele origin: germline.
Comment: NM_001958.5(EEF1A2):c.289G>A (p.Asp97Asn) is a missense variant that results in the substitution of aspartic acid with asparagine. The affected residue or protein region has prior evidence supporting clinical relevance. This variant has been recurrently observed in individuals with EEF1A2-related disorders (PMID: 34489640; PMID: 30370994; PMID: 38355961). This variant has been reported as a de novo occurrence in an affected individual (PMID: 38355961). Also, this variant is absent from population databases. Based on the currently available evidence, this variant is classified as likely pathogenic.

Labcorp Genetics (formerly Invitae), Labcorp
Classification: Likely pathogenic for Developmental and epileptic encephalopathy, 33. Last evaluated: 2025-02-19. Review status: criteria provided, single submitter. Criteria: Invitae Variant Classification Sherloc (09022015). Collection method: clinical testing. Allele origin: germline.
Comment: This sequence change replaces aspartic acid, which is acidic and polar, with asparagine, which is neutral and polar, at codon 97 of the EEF1A2 protein (p.Asp97Asn). This variant is not present in population databases (gnomAD no frequency). This missense change has been observed in individual(s) with clinical features of developmental and epileptic encephalopathy and/or epileptic encephalopathy (PMID: 34489640; internal data). In at least one individual the variant was observed to be de novo. ClinVar contains an entry for this variant (Variation ID: 1470873). Invitae Evidence Modeling of protein sequence and biophysical properties (such as structural, functional, and spatial information, amino acid conservation, physicochemical variation, residue mobility, and thermodynamic stability) indicates that this missense variant is not expected to disrupt EEF1A2 protein function with a negative predictive value of 80%. In summary, the currently available evidence indicates that the variant is pathogenic, but additional data are needed to prove that conclusively. Therefore, this variant has been classified as Likely Pathogenic.

Ambry Genetics
Classification: Pathogenic for Inborn genetic diseases. Last evaluated: 2024-11-20. Review status: criteria provided, single submitter. Criteria: Ambry Variant Classification Scheme 2023. Collection method: clinical testing. Allele origin: germline.
Comment: The c.289G>A (p.D97N) alteration is located in exon 3 (coding exon 2) of the EEF1A2 gene. This alteration results from a G to A substitution at nucleotide position 289, causing the aspartic acid (D) at amino acid position 97 to be replaced by an asparagine (N). This variant was not reported in population-based cohorts in the Genome Aggregation Database (gnomAD). This variant has been determined to be the result of a de novo mutation in multiple individuals with features consistent with EEF1A2-related neurodevelopmental disorder (Jiang, 2021; Paulet, 2024). This amino acid position is highly conserved in available vertebrate species. This missense alteration is located in a region that has a low rate of benign missense variation (Lek, 2016; Firth, 2009). This alteration is predicted to be tolerated by in silico analysis. Based on the available evidence, this alteration is classified as pathogenic.

Molecular Genetics laboratory, Necker Hospital
Classification: Likely pathogenic. Last evaluated: 2021-08-17. Review status: no assertion criteria provided. Collection method: clinical testing. Allele origin: de novo. Affected: yes. Not counted in ClinVar's aggregate classification.

Department of Genetics, Robert DEBRE University Hospital
Classification: Likely pathogenic. Last evaluated: 2018-07-09. Review status: no assertion criteria provided. Collection method: clinical testing. Allele origin: de novo. Affected: yes. Not counted in ClinVar's aggregate classification.

Literature cited by the submitters: PubMed 34489640 (cited by 3 submitters); PubMed 30370994 (cited by Dasa); PubMed 38355961 (cited by Dasa and Ambry Genetics).